The following is an entry in ClinVar:

ClinVar aggregate classification (germline): Uncertain significance (1 of 4 stars; one submission).

Allele frequency attached by ClinVar (database versions not stated): gnomAD exomes below 0.00001.
gnomAD v4.1: 2 of 1,614,102 alleles (0.00012%); highest among the groups gnomAD compares: Non-Finnish European, 0.00017%; no homozygotes.

Submission:

Labcorp Genetics (formerly Invitae), Labcorp
Classification: Uncertain significance. Last evaluated: 2023-03-10. Review status: criteria provided, single submitter. Criteria: Invitae Variant Classification Sherloc (09022015). Collection method: clinical testing. Allele origin: germline.
Comment: This variant has not been reported in the literature in individuals affected with POLG2-related conditions. ClinVar contains an entry for this variant (Variation ID: 1518806). An algorithm developed to predict the effect of missense changes on protein structure and function (PolyPhen-2) suggests that this variant is likely to be disruptive. In summary, the available evidence is currently insufficient to determine the role of this variant in disease. Therefore, it has been classified as a Variant of Uncertain Significance. This variant is not present in population databases (gnomAD no frequency). This sequence change replaces glycine, which is neutral and non-polar, with arginine, which is basic and polar, at codon 81 of the POLG2 protein (p.Gly81Arg).

NM_007215.4(POLG2):c.241G>A (p.Gly81Arg)

Genes: MILR1 (mast cell immunoglobulin like receptor 1; plus strand), POLG2 (DNA polymerase gamma 2, accessory subunit; minus strand). Cytogenetic location: 17q23.3.
Variant type: single nucleotide variant.
Coding change: c.241G>A on transcript NM_007215.4 (MANE Select); coding-DNA position 241, G replaced by A.
Protein change: p.Gly81Arg; replaces glycine 81 with arginine.
Molecular consequence: missense variant.
Genome position (GRCh38, 1-based): chr17:64,496,728, C>T on the plus strand (G>A on the coding strand, the complement: POLG2 is on the minus strand). VCF-style: chr17-64496728-C-T. GRCh37 (hg19) VCF-style: chr17-62492846-C-T.
Other names: short protein forms G81R.
Identifiers: ClinVar variation 1518806 (VCV001518806.8), dbSNP rs2144222469, ClinGen allele CA400641345.